The following is an entry in ClinVar:

ClinVar aggregate classification (germline): Benign/Likely benign. Review status: criteria provided, multiple submitters, no conflicts (2 of 4 stars). 3 submissions from 3 submitters: Benign (1); Likely benign (1). 1 of the submissions does not count toward it. Last evaluated 2024-01-03.

Conditions:
Inborn genetic diseases. Identifiers: MedGen C0950123, MeSH D030342.
AMER1-related disorder. Also called: AMER1-related condition.

Allele frequency attached by ClinVar (database versions not stated): ExAC 0.00001; gnomAD exomes 0.00002 and 0.00004; gnomAD 0.00013; TOPMed 0.00023.
gnomAD v4.1: 23 of 1,210,262 alleles (0.0019%); highest among the groups gnomAD compares: Admixed American, 0.041%; no homozygotes.

Submissions (3):

Ambry Genetics
Classification: Likely benign for Inborn genetic diseases. Last evaluated: 2024-01-03. Review status: criteria provided, single submitter. Criteria: Ambry Variant Classification Scheme 2023. Collection method: clinical testing. Allele origin: germline.

Labcorp Genetics (formerly Invitae), Labcorp
Classification: Benign. Last evaluated: 2018-08-10. Review status: criteria provided, single submitter. Criteria: Invitae Variant Classification Sherloc (09022015). Collection method: clinical testing. Allele origin: germline.

PreventionGenetics, part of Exact Sciences
Classification: Likely benign for AMER1-related condition. Last evaluated: 2023-09-21. Review status: no assertion criteria provided. Collection method: clinical testing. Allele origin: germline. Not counted in ClinVar's aggregate classification.
Comment: This variant is classified as likely benign based on ACMG/AMP sequence variant interpretation guidelines (Richards et al. 2015 PMID: 25741868, with internal and published modifications).

NM_152424.4(AMER1):c.2995A>G (p.Met999Val)

Gene: AMER1 (APC membrane recruitment protein 1; minus strand). Cytogenetic location: Xq11.2.
Variant type: single nucleotide variant.
Coding change: c.2995A>G on transcript NM_152424.4 (MANE Select); coding-DNA position 2995, A replaced by G.
Protein change: p.Met999Val; replaces methionine 999 with valine.
Molecular consequence: missense variant.
Genome position (GRCh38, 1-based): chrX:64,190,292, T>C on the plus strand (A>G on the coding strand, the complement: AMER1 is on the minus strand). VCF-style: chrX-64190292-T-C. GRCh37 (hg19) VCF-style: chrX-63410172-T-C.
Other names: short protein forms M999V.
Identifiers: ClinVar variation 764309 (VCV000764309.6), dbSNP rs747124947, ClinGen allele CA10432123.